The following is an entry in ClinVar:

ClinVar aggregate classification (germline): Uncertain significance. Review status: criteria provided, multiple submitters, no conflicts (2 of 4 stars). 4 submissions from 4 submitters: Uncertain significance (4). Last evaluated 2025-11-15.

Conditions:
Inborn genetic diseases. Identifiers: MedGen C0950123, MeSH D030342.
Osteogenesis imperfecta (OI). Identifiers: Orphanet 666, MedGen C0029434, MeSH D010013, MONDO:0019019.

Allele frequency attached by ClinVar (database versions not stated): ExAC 0.00002; gnomAD exomes 0.00002; gnomAD 0.00004; TOPMed 0.00005.
gnomAD v4.1: 56 of 1,613,818 alleles (0.0035%); highest among the groups gnomAD compares: Non-Finnish European, 0.0042%; no homozygotes.

Submissions (4):

Mayo Clinic Laboratories, Mayo Clinic
Classification: Uncertain significance. Last evaluated: 2025-11-15. Review status: criteria provided, single submitter. Criteria: ACMG Guidelines, 2015. Collection method: clinical testing. Allele origin: germline. Observed: 1 variant allele.
Comment: PP3

Labcorp Genetics (formerly Invitae), Labcorp
Classification: Uncertain significance. Last evaluated: 2022-02-04. Review status: criteria provided, single submitter. Criteria: Invitae Variant Classification Sherloc (09022015). Collection method: clinical testing. Allele origin: germline.
Comment: This sequence change replaces glutamic acid, which is acidic and polar, with lysine, which is basic and polar, at codon 251 of the SPARC protein (p.Glu251Lys). This variant is present in population databases (rs752377098, gnomAD 0.004%). This variant has not been reported in the literature in individuals affected with SPARC-related conditions. Algorithms developed to predict the effect of missense changes on protein structure and function (SIFT, PolyPhen-2, Align-GVGD) all suggest that this variant is likely to be disruptive. In summary, the available evidence is currently insufficient to determine the role of this variant in disease. Therefore, it has been classified as a Variant of Uncertain Significance.

Ambry Genetics
Classification: Uncertain significance for Inborn genetic diseases. Last evaluated: 2021-10-29. Review status: criteria provided, single submitter. Criteria: Ambry Variant Classification Scheme 2023. Collection method: clinical testing. Allele origin: germline.

Genome Diagnostics Laboratory, The Hospital for Sick Children
Classification: Uncertain significance for Osteogenesis imperfecta. Last evaluated: 2019-06-01. Review status: criteria provided, single submitter. Criteria: ACMG Guidelines, 2015. Collection method: clinical testing. Allele origin: germline.

NM_003118.4(SPARC):c.751G>A (p.Glu251Lys)

Genes: SPARC (secreted protein acidic and cysteine rich; minus strand), LOC126807556 (MED14-independent group 3 enhancer GRCh37_chr5:151042798-151043997; plus strand). Cytogenetic location: 5q33.1.
Variant type: single nucleotide variant.
Coding change: c.751G>A on transcript NM_003118.4 (MANE Select); coding-DNA position 751, G replaced by A.
Protein change: p.Glu251Lys; replaces glutamic acid 251 with lysine.
Molecular consequence: missense variant.
Genome position (GRCh38, 1-based): chr5:151,664,219, C>T on the plus strand (G>A on the coding strand, the complement: SPARC is on the minus strand). VCF-style: chr5-151664219-C-T. GRCh37 (hg19) VCF-style: chr5-151043780-C-T.
Other names: p.Glu251Lys; c.751G>A (NM_003118.2); c.748G>A, p.Glu250Lys (NM_001309443.2); c.751G>A, p.Glu251Lys (NM_001309444.2); short protein forms E251K, E250K.
Identifiers: ClinVar variation 1360514 (VCV001360514.8), dbSNP rs752377098, ClinGen allele CA3522582.